The following is an entry in ClinVar:

NM_006231.4(POLE):c.1101del (p.Phe367fs)

Gene: POLE (DNA polymerase epsilon, catalytic subunit; minus strand). Cytogenetic location: 12q24.33.
Variant type: Deletion.
Coding change: c.1101del on transcript NM_006231.4 (MANE Select); coding-DNA position 1101, one base deleted (T; older notation c.1101delT).
Protein change: p.Phe367fs; shifts the reading frame from phenylalanine 367.
Molecular consequence: frameshift variant.
Genome position (GRCh38, 1-based): chr12:132,675,740, A deleted on the plus strand (T on the coding strand, the reverse complement: POLE is on the minus strand); the first of 6 consecutive A bases (chr12:132,675,740-132,675,745); deleting any one gives the same sequence. VCF-style (leftmost placement, unchanged base first): chr12-132675739-CA-C. GRCh37 (hg19) VCF-style: chr12-133252325-CA-C.
Other names: c.1101delT (NM_006231.2); short protein forms F367fs.
Identifiers: ClinVar variation 3019515 (VCV003019515.4), dbSNP rs1488526952, ClinGen allele CA685564307.
Genomic context (GRCh38, chr12:132,675,739, plus strand): 5'-CAACGCCCTCCCTCTCAAATGCTGCCCAGTTACTCATAGAGAAGACACAGACTCACCAGT[CA>C]AAAAAGTCCCCGTTGTAGGTGACCATGATGGTGGGTTTGGTCTCCTGGACGTGTTCAAAC-3'

ClinVar aggregate classification (germline): Conflicting classifications of pathogenicity. Review status: criteria provided, conflicting classifications (1 of 4 stars). 2 submissions from 2 submitters: Pathogenic (1); Uncertain significance (1). Last evaluated 2024-12-17.

Conditions:
Hereditary cancer-predisposing syndrome. Also called: Tumor predisposition; Hereditary neoplastic syndrome; Hereditary Cancer Syndrome; Neoplastic Syndromes, Hereditary. Identifiers: Orphanet 140162, MedGen C0027672, MeSH D009386, MONDO:0015356.

Submissions (2):

Ambry Genetics
Classification: Uncertain significance for Hereditary cancer-predisposing syndrome. Last evaluated: 2024-12-17. Review status: criteria provided, single submitter. Criteria: Ambry Variant Classification Scheme 2023. Collection method: clinical testing. Allele origin: germline.
Comment: The c.1101delT variant, located in coding exon 11 of the POLE gene, results from a deletion of one nucleotide at nucleotide position 1101, causing a translational frameshift with a predicted alternate stop codon (p.F367Lfs*15). This alteration is expected to result in loss of function by premature protein truncation or nonsense-mediated mRNA decay. Loss-of-function variants subject to nonsense mediated decay (NMD) in POLE are known to cause POLE deficiency; however, such associations with POLE-related polymerase proofreading-associated polyposis (PPAP) have not been reported. Based on the supporting evidence, this alteration is pathogenic for POLE deficiency; however, the association of this alteration with POLE-related PPAP is unknown.

Labcorp Genetics (formerly Invitae), Labcorp
Classification: Pathogenic. Last evaluated: 2022-11-03. Review status: criteria provided, single submitter. Criteria: Invitae Variant Classification Sherloc (09022015). Collection method: clinical testing. Allele origin: germline.
Comment: This variant has not been reported in the literature in individuals affected with POLE-related conditions. This variant is not present in population databases (gnomAD no frequency). This sequence change creates a premature translational stop signal (p.Phe367Leufs*15) in the POLE gene. It is expected to result in an absent or disrupted protein product. Loss-of-function variants in POLE are known to be pathogenic (PMID: 23230001, 25948378, 30503519). For these reasons, this variant has been classified as Pathogenic.

Literature cited by the submitters: PubMed 23230001 (cited by Labcorp Genetics (formerly Invitae), Labcorp); PubMed 25948378 (cited by Labcorp Genetics (formerly Invitae), Labcorp); PubMed 30503519 (cited by Labcorp Genetics (formerly Invitae), Labcorp).